The following is an entry in ClinVar:

NM_000093.5(COL5A1):c.1624C>T (p.Gln542Ter)

Gene: COL5A1 (collagen type V alpha 1 chain; plus strand). Cytogenetic location: 9q34.3.
Variant type: single nucleotide variant.
Coding change: c.1624C>T on transcript NM_000093.5 (MANE Select); coding-DNA position 1624, C replaced by T.
Protein change: p.Gln542Ter; replaces glutamine 542 with a stop codon.
Molecular consequence: nonsense.
Genome position (GRCh38, 1-based): chr9:134,750,844, C>T. VCF-style: chr9-134750844-C-T. GRCh37 (hg19) VCF-style: chr9-137642690-C-T.
Other names: c.1624C>T, p.Gln542Ter (NM_001278074.1); short protein forms Q542*.
Identifiers: ClinVar variation 4727211 (VCV004727211.1).
Genomic context (GRCh38, chr9:134,750,844, plus strand): 5'-TTGCAGTTCCGGTTTGGAGGTGGCGGCGATGCGGGCTCCAAAGGCCCCATGGTCTCAGCC[C>T]AGGAGTCCCAGGCGCAAGCCATTCTCCAGCAGGCCAGGGTGAGTACTGCTGGGTCCCAAG-3'

ClinVar aggregate classification (germline): Pathogenic (1 of 4 stars; one submission).

Conditions:
Ehlers-Danlos syndrome, classic type, 1 (EDSCL1). Also called: EHLERS-DANLOS SYNDROME, GRAVIS TYPE; EHLERS-DANLOS SYNDROME, SEVERE CLASSIC TYPE; Ehlers-Danlos syndrome, type 1; Ehlers-Danlos Syndrome, Classic Type, COL5A1-Related; EDS I. Identifiers: MedGen C0268335, MONDO:0019567, OMIM 130000.

Submission:

Labcorp Genetics (formerly Invitae), Labcorp
Classification: Pathogenic for Ehlers-Danlos syndrome, classic type, 1. Last evaluated: 2025-09-15. Review status: criteria provided, single submitter. Criteria: Invitae Variant Classification Sherloc (09022015). Collection method: clinical testing. Allele origin: germline.
Comment: This sequence change creates a premature translational stop signal (p.Gln542*) in the COL5A1 gene. It is expected to result in an absent or disrupted protein product. Loss-of-function variants in COL5A1 are known to be pathogenic (PMID: 23587214). This variant is not present in population databases (gnomAD no frequency). This variant has not been reported in the literature in individuals affected with COL5A1-related conditions. For these reasons, this variant has been classified as Pathogenic.

Literature cited by the submitters: PubMed 23587214.